The following is an entry in ClinVar:

NM_014956.5(CEP164):c.1792G>T (p.Ala598Ser)

Gene: CEP164 (centrosomal protein 164; plus strand). Cytogenetic location: 11q23.3.
Variant type: single nucleotide variant.
Coding change: c.1792G>T on transcript NM_014956.5 (MANE Select); coding-DNA position 1792, G replaced by T.
Protein change: p.Ala598Ser; replaces alanine 598 with serine.
Molecular consequence: missense variant.
Genome position (GRCh38, 1-based): chr11:117,387,270, G>T. VCF-style: chr11-117387270-G-T. GRCh37 (hg19) VCF-style: chr11-117257986-G-T.
Other names: c.1801G>T, p.Ala601Ser (NM_001271933.2); c.1792G>T (NM_014956.4); short protein forms A601S, A598S.
Identifiers: ClinVar variation 1040738 (VCV001040738.9), dbSNP rs150956860, ClinGen allele CA6294868.

ClinVar aggregate classification (germline): Uncertain significance. Review status: criteria provided, multiple submitters, no conflicts (2 of 4 stars). 2 submissions from 2 submitters: Uncertain significance (2). Last evaluated 2026-02-03.

Conditions:
CEP164-related disorder. Also called: CEP164-related condition.
Nephronophthisis 15 (NPHP15). Identifiers: Orphanet 3156, MedGen C3541853, MONDO:0013917, OMIM 614845.

gnomAD v4.1: 8 of 1,614,236 alleles (0.0005%); highest among the groups gnomAD compares: Non-Finnish European, 0.00051%; no homozygotes.

Submissions (2):

PreventionGenetics, part of Exact Sciences
Classification: Uncertain significance for CEP164-related condition. Last evaluated: 2026-02-03. Review status: criteria provided, single submitter. Criteria: ACMG Guidelines, 2015. Collection method: clinical testing. Allele origin: germline.
Comment: The CEP164 c.1792G>T variant is predicted to result in the amino acid substitution p.Ala598Ser. To our knowledge, this variant has not been reported in the literature. This variant is reported in 0.0018% of alleles in individuals of European (Non-Finnish) descent in gnomAD. At this time, the clinical significance of this variant is uncertain due to the absence of conclusive functional and genetic evidence.

Labcorp Genetics (formerly Invitae), Labcorp
Classification: Uncertain significance for Nephronophthisis 15. Last evaluated: 2024-01-02. Review status: criteria provided, single submitter. Criteria: Invitae Variant Classification Sherloc (09022015). Collection method: clinical testing. Allele origin: germline.
Comment: This sequence change replaces alanine, which is neutral and non-polar, with serine, which is neutral and polar, at codon 598 of the CEP164 protein (p.Ala598Ser). This variant is present in population databases (rs150956860, gnomAD 0.002%). This variant has not been reported in the literature in individuals affected with CEP164-related conditions. ClinVar contains an entry for this variant (Variation ID: 1040738). Advanced modeling of protein sequence and biophysical properties (such as structural, functional, and spatial information, amino acid conservation, physicochemical variation, residue mobility, and thermodynamic stability) performed at Invitae indicates that this missense variant is not expected to disrupt CEP164 protein function with a negative predictive value of 80%. In summary, the available evidence is currently insufficient to determine the role of this variant in disease. Therefore, it has been classified as a Variant of Uncertain Significance.